The following is an entry in ClinVar:

NM_020921.4(NIN):c.4436A>G (p.Lys1479Arg)

Gene: NIN (ninein; minus strand). Cytogenetic location: 14q22.1.
Variant type: single nucleotide variant.
Coding change: c.4436A>G on transcript NM_020921.4 (MANE Select); coding-DNA position 4436, A replaced by G.
Protein change: p.Lys1479Arg; replaces lysine 1479 with arginine.
Molecular consequence: missense variant. On other transcripts: intron variant (1).
Genome position (GRCh38, 1-based): chr14:50,756,594, T>C on the plus strand (A>G on the coding strand, the complement: NIN is on the minus strand). VCF-style: chr14-50756594-T-C. GRCh37 (hg19) VCF-style: chr14-51223312-T-C.
Other names: c.4436A>G, p.Lys1479Arg (NM_182944.3, NM_182946.2); c.2400-1727A>G (NM_016350.5); short protein forms K1479R.
Identifiers: ClinVar variation 2073763 (VCV002073763.4), dbSNP rs2042037452, ClinGen allele CA389692459.
Genomic context (GRCh38, chr14:50,756,594, plus strand): 5'-TGCAAGTCATGCATCATTGCCTTCAGCTCTTCCTCCTTTTCTCCGTGAGAAAGTACATCT[T>C]TTTGCTTAACTAAAATAGTGACTCTCTCCTTCAACTTCCTAGTCAGCTCCTGTAACTTTG-3'
Protein context (NP_065972.4, residues 1469-1489): KERVTILVKQ[Lys1479Arg]DVLSHGEKEE

ClinVar aggregate classification (germline): Uncertain significance (1 of 4 stars; one submission).

Allele frequency attached by ClinVar (database versions not stated): TOPMed 0.00001.

Submission:

Labcorp Genetics (formerly Invitae), Labcorp
Classification: Uncertain significance. Last evaluated: 2022-09-07. Review status: criteria provided, single submitter. Criteria: Invitae Variant Classification Sherloc (09022015). Collection method: clinical testing. Allele origin: germline.
Comment: In summary, the available evidence is currently insufficient to determine the role of this variant in disease. Therefore, it has been classified as a Variant of Uncertain Significance. Algorithms developed to predict the effect of missense changes on protein structure and function output the following: SIFT: "Tolerated"; PolyPhen-2: "Benign"; Align-GVGD: "Class C0". The arginine amino acid residue is found in multiple mammalian species, which suggests that this missense change does not adversely affect protein function. This sequence change replaces lysine, which is basic and polar, with arginine, which is basic and polar, at codon 1479 of the NIN protein (p.Lys1479Arg). This variant is not present in population databases (gnomAD no frequency). This variant has not been reported in the literature in individuals affected with NIN-related conditions.